The following is an entry in ClinVar:

NM_001282531.3(ADNP):c.2576G>A (p.Ser859Asn)

Gene: ADNP (activity dependent neuroprotector homeobox; minus strand). Cytogenetic location: 20q13.13.
Variant type: single nucleotide variant.
Coding change: c.2576G>A on transcript NM_001282531.3 (MANE Select); coding-DNA position 2576, G replaced by A.
Protein change: p.Ser859Asn; replaces serine 859 with asparagine.
Molecular consequence: missense variant.
Genome position (GRCh38, 1-based): chr20:50,892,138, C>T on the plus strand (G>A on the coding strand, the complement: ADNP is on the minus strand). VCF-style: chr20-50892138-C-T. GRCh37 (hg19) VCF-style: chr20-49508675-C-T.
Other names: c.2576G>A, p.Ser859Asn (NM_001282532.2, NM_001347511.2, NM_015339.5 and 1 more transcripts); short protein forms S859N.
Identifiers: ClinVar variation 3029166 (VCV003029166.2), dbSNP rs946459624, ClinGen allele CA408969048.

ClinVar aggregate classification (germline): Uncertain significance (0 of 4 stars; one submission).

Conditions:
ADNP-related disorder. Also called: ADNP-related condition.

Submission:

PreventionGenetics, part of Exact Sciences
Classification: Uncertain significance for ADNP-related condition. Last evaluated: 2024-03-01. Review status: no assertion criteria provided. Collection method: clinical testing. Allele origin: germline.
Comment: The ADNP c.2576G>A variant is predicted to result in the amino acid substitution p.Ser859Asn. To our knowledge, this variant has not been reported in the literature or in a large population database, indicating this variant is rare. At this time, the clinical significance of this variant is uncertain due to the absence of conclusive functional and genetic evidence.